The following is an entry in ClinVar:

NM_007294.4(BRCA1):c.1561G>C (p.Ala521Pro)

Gene: BRCA1 (BRCA1 DNA repair associated; minus strand). Cytogenetic location: 17q21.31.
Variant type: single nucleotide variant.
Coding change: c.1561G>C on transcript NM_007294.4 (MANE Select); coding-DNA position 1561, G replaced by C.
Protein change: p.Ala521Pro; replaces alanine 521 with proline.
Molecular consequence: missense variant. On other transcripts: intron variant (137).
Genome position (GRCh38, 1-based): chr17:43,093,970, C>G on the plus strand (G>C on the coding strand, the complement: BRCA1 is on the minus strand). VCF-style: chr17-43093970-C-G. GRCh37 (hg19) VCF-style: chr17-41245987-C-G.
Other names: c.1558G>C, p.Ala520Pro (NM_001407634.1, NM_001407635.1, NM_001407636.1 and 22 more transcripts); c.1348G>C, p.Ala450Pro (NM_001407571.1, NM_001407853.1, NM_001407894.1 and 9 more transcripts); c.1561G>C, p.Ala521Pro (NM_001407581.1, NM_001407582.1, NM_001407639.1 and 30 more transcripts); c.1552G>C, p.Ala518Pro (NM_001407646.1, NM_001407647.1); c.1438G>C, p.Ala480Pro (NM_001407648.1, NM_001407664.1, NM_001407665.1 and 19 more transcripts); c.1435G>C, p.Ala479Pro (NM_001407649.1, NM_001407670.1, NM_001407671.1 and 11 more transcripts); c.1483G>C, p.Ala495Pro (NM_001407653.1, NM_001407654.1, NM_001407655.1 and 4 more transcripts); c.1480G>C, p.Ala494Pro (NM_001407659.1, NM_001407660.1, NM_001407661.1 and 1 more transcripts); and 40 more; short protein forms A521P, A474P, A353P, A393P, A433P, A453P, A473P, A479P.
Identifiers: ClinVar variation 431216 (VCV000431216.4), dbSNP rs80357122, ClinGen allele CA10598922.
Genomic context (GRCh38, chr17:43,093,970, plus strand): 5'-GCTCCGTTTGGTTAGTTCCCTGATTTATCATTTCAGGAGTCTTTTGAACTGCCAAATCTG[C>G]TTTCTTGATAAAATCCTCAGGATGAAGGCCTGATGTAGGTCTCCTTTTACGCTTTAATTT-3'
Protein context (NP_009225.1, residues 511-531): GLHPEDFIKK[Ala521Pro]DLAVQKTPEM

ClinVar aggregate classification (germline): Likely benign. Review status: criteria provided, single submitter (1 of 4 stars). 2 submissions from 2 submitters: Likely benign (1). 1 of the submissions does not count toward it. Last evaluated 2023-03-23.

Conditions:
Hereditary cancer-predisposing syndrome. Also called: Hereditary Cancer Syndrome; Hereditary neoplastic syndrome; Neoplastic Syndromes, Hereditary; Tumor predisposition. Identifiers: Orphanet 140162, MedGen C0027672, MeSH D009386, MONDO:0015356.

Submissions (2):

University of Washington Department of Laboratory Medicine, University of Washington
Classification: Likely benign for Hereditary cancer-predisposing syndrome. Last evaluated: 2023-03-23. Review status: criteria provided, single submitter. Criteria: Dines et al. (Genet Med. 2020). Collection method: curation. Allele origin: germline.
Comment: Missense variant in a coldspot region where missense variants are very unlikely to be pathogenic (PMID:31911673).

BRCA1 coldspot (exon 11 using historical exon numbering). Reclassification based on statistical prior probability

Research Molecular Genetics Laboratory, Women's College Hospital, University of Toronto
Classification: Uncertain significance. Last evaluated: 2014-01-31. Review status: no assertion criteria provided. Collection method: research. Allele origin: germline. Affected: yes. Study: The Canadian Open Genetics Repository (COGR). Not counted in ClinVar's aggregate classification.